The following is an entry in ClinVar:

ClinVar aggregate classification (germline): Likely benign (1 of 4 stars; one submission).

Allele frequency attached by ClinVar (database versions not stated): 1000 Genomes Project 30x 0.00281; 1000 Genomes Project 0.00319; TOPMed 0.00558; gnomAD 0.00696 and 0.00699; gnomAD exomes 0.00943.
gnomAD v4.1: 6,894 of 774,794 alleles (0.89%); highest among the groups gnomAD compares: Non-Finnish European, 1%; 45 homozygotes.

Submission:

GeneDx
Classification: Likely benign. Last evaluated: 2018-06-16. Review status: criteria provided, single submitter. Criteria: GeneDx Variant Classification (06012015). Collection method: clinical testing. Allele origin: germline. Affected: yes.
Comment: This variant is considered likely benign or benign based on one or more of the following criteria: it is a conservative change, it occurs at a poorly conserved position in the protein, it is predicted to be benign by multiple in silico algorithms, and/or has population frequency not consistent with disease.

NM_001852.4(COL9A2):c.1870+147G>A

Gene: COL9A2 (collagen type IX alpha 2 chain; minus strand). Cytogenetic location: 1p34.2.
Variant type: single nucleotide variant.
Coding change: c.1870+147G>A on transcript NM_001852.4 (MANE Select); 147 bases into the intron after coding-DNA position 1870, G replaced by A.
Molecular consequence: intron variant.
Genome position (GRCh38, 1-based): chr1:40,301,665, C>T on the plus strand (G>A on the coding strand, the complement: COL9A2 is on the minus strand). VCF-style: chr1-40301665-C-T. GRCh37 (hg19) VCF-style: chr1-40767337-C-T.
Identifiers: ClinVar variation 678735 (VCV000678735.1), dbSNP rs149823112, ClinGen allele CA21041084.